The following is an entry in ClinVar:

ClinVar aggregate classification (germline): Uncertain significance. Review status: criteria provided, multiple submitters, no conflicts (2 of 4 stars). 2 submissions from 2 submitters: Uncertain significance (2). Last evaluated 2025-02-08.

Conditions:
Inborn genetic diseases. Identifiers: MedGen C0950123, MeSH D030342.

Allele frequency attached by ClinVar (database versions not stated): ExAC 0.00001; TOPMed 0.00002; gnomAD 0.00003.
gnomAD v4.1: 14 of 1,613,738 alleles (0.00087%); highest among the groups gnomAD compares: African/African-American, 0.013%; no homozygotes.

Submissions (2):

Ambry Genetics
Classification: Uncertain significance for Inborn genetic diseases. Last evaluated: 2025-02-08. Review status: criteria provided, single submitter. Criteria: Ambry Variant Classification Scheme 2023. Collection method: clinical testing. Allele origin: germline.

Labcorp Genetics (formerly Invitae), Labcorp
Classification: Uncertain significance. Last evaluated: 2022-03-19. Review status: criteria provided, single submitter. Criteria: Invitae Variant Classification Sherloc (09022015). Collection method: clinical testing. Allele origin: germline.
Comment: This variant is present in population databases (rs775491932, gnomAD 0.01%). In summary, the available evidence is currently insufficient to determine the role of this variant in disease. Therefore, it has been classified as a Variant of Uncertain Significance. Algorithms developed to predict the effect of missense changes on protein structure and function output the following: SIFT: "Tolerated"; PolyPhen-2: "Not Available"; Align-GVGD: "Class C0". The valine amino acid residue is found in multiple mammalian species, which suggests that this missense change does not adversely affect protein function. This variant has not been reported in the literature in individuals affected with PCLO-related conditions. This sequence change replaces methionine, which is neutral and non-polar, with valine, which is neutral and non-polar, at codon 3170 of the PCLO protein (p.Met3170Val).

NM_033026.6(PCLO):c.9508A>G (p.Met3170Val)

Gene: PCLO (piccolo presynaptic cytomatrix protein; minus strand). Cytogenetic location: 7q21.11.
Variant type: single nucleotide variant.
Coding change: c.9508A>G on transcript NM_033026.6 (MANE Select); coding-DNA position 9508, A replaced by G.
Protein change: p.Met3170Val; replaces methionine 3170 with valine.
Molecular consequence: missense variant.
Genome position (GRCh38, 1-based): chr7:82,951,080, T>C on the plus strand (A>G on the coding strand, the complement: PCLO is on the minus strand). VCF-style: chr7-82951080-T-C. GRCh37 (hg19) VCF-style: chr7-82580396-T-C.
Other names: c.9508A>G, p.Met3170Val (NM_014510.3); c.9508A>G (NM_033026.5); short protein forms M3170V.
Identifiers: ClinVar variation 2168947 (VCV002168947.5), dbSNP rs775491932, ClinGen allele CA4319909.
Genomic context (GRCh38, chr7:82,951,080, plus strand): 5'-CTTCGGATGCTGTGGTTAAAGTGGGAACAGAGTCTATCGTCTCAGCAGTAAGAGACTCCA[T>C]AGTAATAGTTTGCAAACTGGCACTGATATCAATACCAGTTACTGCAATGTCCGTTTCAGA-3'
Protein context (NP_149015.2, residues 3160-3180): DISASLQTIT[Met3170Val]ESLTAETIDS